The following is an entry in ClinVar:

ClinVar aggregate classification (germline): Conflicting classifications of pathogenicity. Review status: criteria provided, conflicting classifications (1 of 4 stars). 3 submissions from 3 submitters: Uncertain significance (2); Benign (1). Last evaluated 2025-04-24.

Conditions:
Tuberous sclerosis 2 (TSC2). Identifiers: Orphanet 805, MedGen C1860707, MONDO:0013199, OMIM 613254.
Tuberous sclerosis syndrome (TSC). Also called: Tuberous sclerosis; Tuberous Sclerosis Complex. Identifiers: Orphanet 805, MedGen C0041341, MONDO:0001734.
Hereditary cancer-predisposing syndrome. Also called: Neoplastic Syndromes, Hereditary; Tumor predisposition; Hereditary neoplastic syndrome; Hereditary Cancer Syndrome. Identifiers: Orphanet 140162, MedGen C0027672, MeSH D009386, MONDO:0015356.

Allele frequency attached by ClinVar (database versions not stated): gnomAD exomes below 0.00001.
gnomAD v4.1: 1 of 1,613,078 alleles (0.000062%); highest among the groups gnomAD compares: Non-Finnish European, 0.000085%; no homozygotes.

Submissions (3):

Labcorp Genetics (formerly Invitae), Labcorp
Classification: Benign for Tuberous sclerosis 2. Last evaluated: 2025-04-24. Review status: criteria provided, single submitter. Criteria: Invitae Variant Classification Sherloc (09022015). Collection method: clinical testing. Allele origin: germline.

Ambry Genetics
Classification: Uncertain significance for Hereditary cancer-predisposing syndrome. Last evaluated: 2025-04-21. Review status: criteria provided, single submitter. Criteria: Ambry Variant Classification Scheme 2023. Collection method: clinical testing. Allele origin: germline.
Comment: The p.T1025S variant (also known as c.3074C>G), located in coding exon 26 of the TSC2 gene, results from a C to G substitution at nucleotide position 3074. The threonine at codon 1025 is replaced by serine, an amino acid with similar properties. This amino acid position is well conserved in available vertebrate species. In addition, this alteration is predicted to be deleterious by in silico analysis. Based on the available evidence, the clinical significance of this variant remains unclear.

All of Us Research Program, National Institutes of Health
Classification: Uncertain significance for Tuberous sclerosis syndrome. Last evaluated: 2023-08-15. Review status: criteria provided, single submitter. Criteria: ACMG Guidelines, 2015. Collection method: clinical testing. Allele origin: germline. Inheritance: Autosomal dominant inheritance. Observed: 2 variant alleles, 2 heterozygotes.
Comment: This missense variant replaces threonine with serine at codon 1025 of the TSC2 protein. Computational prediction is inconclusive regarding the impact of this variant on protein structure and function (internally defined REVEL score threshold 0.5 < inconclusive < 0.7, PMID: 27666373). To our knowledge, functional studies have not been reported for this variant. This variant has not been reported in individuals affected with tuberous sclerosis complex in the literature. This variant has been identified in 1/250724 chromosomes in the general population by the Genome Aggregation Database (gnomAD). The available evidence is insufficient to determine the role of this variant in disease conclusively. Therefore, this variant is classified as a Variant of Uncertain Significance.

This study involves interpretation of variants in research participants for the purpose of population health screening. Participant phenotype was not available at the time of variant classification. Additional details can be found in publication PMID: 35346344, PMCID: PMC8962531

NM_000548.5(TSC2):c.3074C>G (p.Thr1025Ser)

Gene: TSC2 (TSC complex subunit 2; plus strand). Cytogenetic location: 16p13.3.
Variant type: single nucleotide variant.
Coding change: c.3074C>G on transcript NM_000548.5 (MANE Select); coding-DNA position 3074, C replaced by G.
Protein change: p.Thr1025Ser; replaces threonine 1025 with serine.
Molecular consequence: missense variant. On other transcripts: non-coding transcript variant (5).
Genome position (GRCh38, 1-based): chr16:2,079,139, C>G. VCF-style: chr16-2079139-C-G. GRCh37 (hg19) VCF-style: chr16-2129140-C-G.
Other names: c.2942C>G, p.Thr981Ser (NM_001077183.3, NM_001370404.1, NM_001406665.1); c.3074C>G, p.Thr1025Ser (NM_001114382.3); c.2834C>G, p.Thr945Ser (NM_001318827.2); c.2798C>G, p.Thr933Ser (NM_001318829.2); c.2342C>G, p.Thr781Ser (NM_001318831.2, NM_001406687.1, NM_001406688.1); c.2975C>G, p.Thr992Ser (NM_001318832.2); c.2945C>G, p.Thr982Ser (NM_001363528.2, NM_001370405.1, NM_021055.3); c.3071C>G, p.Thr1024Ser (NM_001406664.1, NM_001406663.1); and 18 more; short protein forms T1011S, T1012S, T1024S, T1025S, T447S, T533S, T534S, T577S.
Identifiers: ClinVar variation 3070183 (VCV003070183.4), dbSNP rs1371092393, ClinGen allele CA394284557.